The following is an entry in ClinVar:

ClinVar aggregate classification (germline): Uncertain significance (1 of 4 stars; one submission).

Conditions:
Inborn genetic diseases. Identifiers: MedGen C0950123, MeSH D030342.

Submission:

Ambry Genetics
Classification: Uncertain significance for Inborn genetic diseases. Last evaluated: 2025-07-12. Review status: criteria provided, single submitter. Criteria: Ambry Variant Classification Scheme 2023. Collection method: clinical testing. Allele origin: germline.
Comment: The p.K1285I variant (also known as c.3854A>T), located in coding exon 1 of the SAMD9L gene, results from an A to T substitution at nucleotide position 3854. The lysine at codon 1285 is replaced by isoleucine, an amino acid with dissimilar properties. This amino acid position is conserved. In addition, this alteration is predicted to be tolerated by in silico analysis. Based on the available evidence, the clinical significance of this variant remains unclear.

NM_152703.5(SAMD9L):c.3854A>T (p.Lys1285Ile)

Gene: SAMD9L (sterile alpha motif domain containing 9 like; minus strand). Cytogenetic location: 7q21.2.
Variant type: single nucleotide variant.
Coding change: c.3854A>T on transcript NM_152703.5 (MANE Select); coding-DNA position 3854, A replaced by T.
Protein change: p.Lys1285Ile; replaces lysine 1285 with isoleucine.
Molecular consequence: missense variant.
Genome position (GRCh38, 1-based): chr7:93,132,118, T>A on the plus strand (A>T on the coding strand, the complement: SAMD9L is on the minus strand). VCF-style: chr7-93132118-T-A. GRCh37 (hg19) VCF-style: chr7-92761431-T-A.
Other names: c.3854A>T, p.Lys1285Ile (NM_001303496.3, NM_001303497.3, NM_001303498.3 and 5 more transcripts); short protein forms K1285I.
Identifiers: ClinVar variation 4159328 (VCV004159328.1).